The following is an entry in ClinVar:

NM_024652.6(LRRK1):c.5442G>A (p.Ala1814=)

Genes: LRRK1 (leucine rich repeat kinase 1; plus strand), LRRK1-AS1 (LRRK1 antisense RNA 1; minus strand). Cytogenetic location: 15q26.3.
Variant type: single nucleotide variant.
Coding change: c.5442G>A on transcript NM_024652.6 (MANE Select); coding-DNA position 5442, G replaced by A.
Protein change: p.Ala1814=; no amino-acid change (alanine 1814 retained).
Molecular consequence: synonymous variant.
Genome position (GRCh38, 1-based): chr15:101,065,879, G>A. VCF-style: chr15-101065879-G-A. GRCh37 (hg19) VCF-style: chr15-101606084-G-A.
Other names: c.5442G>A (NM_024652.5).
Identifiers: ClinVar variation 1673517 (VCV001673517.10), dbSNP rs116529941, ClinGen allele CA7762147.

ClinVar aggregate classification (germline): Benign. Review status: criteria provided, single submitter (1 of 4 stars). 2 submissions from 2 submitters: Benign (1). 1 of the submissions does not count toward it. Last evaluated 2025-11-25.

Conditions:
LRRK1-related disorder. Also called: LRRK1-related condition.

Allele frequency attached by ClinVar (database versions not stated): gnomAD exomes 0.00019 and 0.00029; ExAC 0.00027; ESP Exome Variant Server 0.00079; 1000 Genomes Project 30x 0.00094; gnomAD 0.00107 and 0.00116; 1000 Genomes Project 0.00120; TOPMed 0.00128.
gnomAD v4.1: 461 of 1,614,102 alleles (0.029%); highest among the groups gnomAD compares: African/African-American, 0.36%; no homozygotes.

Submissions (2):

Labcorp Genetics (formerly Invitae), Labcorp
Classification: Benign. Last evaluated: 2025-11-25. Review status: criteria provided, single submitter. Criteria: Invitae Variant Classification Sherloc (09022015). Collection method: clinical testing. Allele origin: germline.

PreventionGenetics, part of Exact Sciences
Classification: Likely benign for LRRK1-related condition. Last evaluated: 2023-03-24. Review status: no assertion criteria provided. Collection method: clinical testing. Allele origin: germline. Not counted in ClinVar's aggregate classification.
Comment: This variant is classified as likely benign based on ACMG/AMP sequence variant interpretation guidelines (Richards et al. 2015 PMID: 25741868, with internal and published modifications).